The following is an entry in ClinVar:

NM_001134673.4(NFIA):c.18T>C (p.Cys6=)

Gene: NFIA (nuclear factor I A; plus strand). Cytogenetic location: 1p31.3.
Variant type: single nucleotide variant.
Coding change: c.18T>C on transcript NM_001134673.4 (MANE Select); coding-DNA position 18, T replaced by C.
Protein change: p.Cys6=; no amino-acid change (cysteine 6 retained).
Molecular consequence: synonymous variant. On other transcripts: intron variant (1).
Genome position (GRCh38, 1-based): chr1:61,082,809, T>C. VCF-style: chr1-61082809-T-C. GRCh37 (hg19) VCF-style: chr1-61548481-T-C.
Other names: c.153T>C, p.Cys51= (NM_001145512.2); c.18T>C, p.Cys6= (NM_005595.5); c.3+5181T>C (NM_001145511.2).
Identifiers: ClinVar variation 2083104 (VCV002083104.6), dbSNP rs777375238, ClinGen allele CA880885.
Genomic context (GRCh38, chr1:61,082,809, plus strand): 5'-CCGCACACCCAGACGCACACGCATACCCCAGCGCCCGGCAGTTATGTATTCTCCGCTCTG[T>C]CTCACCCAGGTAAGCCGCGGCGTGGATGCGGAGGGCTTGGGGGCCGGGGCGCCGGGGGCA-3'
Protein context (NP_001128145.1, residues 1-16): MYSPL[Cys6=]LTQDEFHPFI

ClinVar aggregate classification (germline): Likely benign. Review status: criteria provided, multiple submitters, no conflicts (2 of 4 stars). 2 submissions from 2 submitters: Likely benign (2). Last evaluated 2026-06-01.

Allele frequency attached by ClinVar (database versions not stated): TOPMed 0.00001; gnomAD exomes 0.00002.
gnomAD v4.1: 10 of 1,548,074 alleles (0.00065%); highest among the groups gnomAD compares: Admixed American, 0.02%; no homozygotes.

Submissions (2):

CeGaT Center for Human Genetics Tuebingen
Classification: Likely benign. Last evaluated: 2026-06-01. Review status: criteria provided, single submitter. Criteria: CeGaT Center For Human Genetics Tuebingen Variant Classification Criteria Version 2. Collection method: clinical testing. Allele origin: germline. Affected: yes. Observed: 1 variant allele.
Comment: NFIA: BP4, BP7

Labcorp Genetics (formerly Invitae), Labcorp
Classification: Likely benign. Last evaluated: 2024-02-26. Review status: criteria provided, single submitter. Criteria: Invitae Variant Classification Sherloc (09022015). Collection method: clinical testing. Allele origin: germline.